The following is an entry in ClinVar:

ClinVar aggregate classification (germline): Uncertain significance (1 of 4 stars; one submission).

Allele frequency attached by ClinVar (database versions not stated): ExAC 0.00007; gnomAD 0.00007 and 0.00008; gnomAD exomes 0.00007; TOPMed 0.00009.
gnomAD v4.1: 164 of 1,614,090 alleles (0.01%); highest among the groups gnomAD compares: Non-Finnish European, 0.01%; no homozygotes.

Submission:

Labcorp Genetics (formerly Invitae), Labcorp
Classification: Uncertain significance. Last evaluated: 2025-12-03. Review status: criteria provided, single submitter. Criteria: Invitae Variant Classification Sherloc (09022015). Collection method: clinical testing. Allele origin: germline.
Comment: This sequence change replaces histidine, which is basic and polar, with arginine, which is basic and polar, at codon 1274 of the ERBIN protein (p.His1274Arg). This variant is present in population databases (rs765532548, gnomAD 0.07%), and has an allele count higher than expected for a pathogenic variant. This variant has not been reported in the literature in individuals affected with ERBIN-related conditions. ClinVar contains an entry for this variant (Variation ID: 1502552). An algorithm developed to predict the effect of missense changes on protein structure and function (PolyPhen-2) suggests that this variant is likely to be disruptive. In summary, the available evidence is currently insufficient to determine the role of this variant in disease. Therefore, it has been classified as a Variant of Uncertain Significance.

NM_001253697.2(ERBIN):c.3821A>G (p.His1274Arg)

Gene: ERBIN (erbb2 interacting protein; plus strand). Cytogenetic location: 5q12.3.
Variant type: single nucleotide variant.
Coding change: c.3821A>G on transcript NM_001253697.2 (MANE Select); coding-DNA position 3821, A replaced by G.
Protein change: p.His1274Arg; replaces histidine 1274 with arginine.
Molecular consequence: missense variant. On other transcripts: intron variant (1).
Genome position (GRCh38, 1-based): chr5:66,075,088, A>G. VCF-style: chr5-66075088-A-G. GRCh37 (hg19) VCF-style: chr5-65370916-A-G.
Other names: c.3698A>G, p.His1233Arg (NM_001253698.2, NM_018695.4); c.3842A>G, p.His1281Arg (NM_001253699.2); c.3686A>G, p.His1229Arg (NM_001253701.2); c.3634-1228A>G (NM_001006600.3); short protein forms H1274R, H1233R, H1229R, H1281R.
Identifiers: ClinVar variation 1502552 (VCV001502552.8), dbSNP rs765532548, ClinGen allele CA3286732.